The following is an entry in ClinVar:

ClinVar aggregate classification (germline): Likely benign (1 of 4 stars; one submission).

Allele frequency attached by ClinVar (database versions not stated): gnomAD 0.00001; TOPMed 0.00001; gnomAD exomes 0.00009; ExAC 0.00023.
gnomAD v4.1: 139 of 1,612,852 alleles (0.0086%); highest among the groups gnomAD compares: South Asian, 0.15%; no homozygotes.

Submission:

CeGaT Center for Human Genetics Tuebingen
Classification: Likely benign. Last evaluated: 2022-07-01. Review status: criteria provided, single submitter. Criteria: CeGaT Center For Human Genetics Tuebingen Variant Classification Criteria Version 2. Collection method: clinical testing. Allele origin: germline. Affected: yes. Observed: 1 variant allele.
Comment: TRMT2A: BP4, BP7

NM_022727.6(TRMT2A):c.339T>C (p.Phe113=)

Genes: RANBP1 (RAN binding protein 1; plus strand), TRMT2A (tRNA methyltransferase 2A; minus strand). Cytogenetic location: 22q11.21.
Variant type: single nucleotide variant.
Coding change: c.339T>C on transcript NM_022727.6 (MANE Select); coding-DNA position 339, T replaced by C.
Protein change: p.Phe113=; no amino-acid change (phenylalanine 113 retained).
Molecular consequence: synonymous variant.
Genome position (GRCh38, 1-based): chr22:20,116,298, A>G on the plus strand (T>C on the coding strand, the complement: TRMT2A is on the minus strand). VCF-style: chr22-20116298-A-G. GRCh37 (hg19) VCF-style: chr22-20103821-A-G.
Other names: c.339T>C, p.Phe113= (NM_001257994.2, NM_001331039.2, NM_182984.5); c.114A>G, p.Thr38= (NM_001278639.2).
Identifiers: ClinVar variation 2652881 (VCV002652881.24), dbSNP rs773594241, ClinGen allele CA10108007.